The following is an entry in ClinVar:

NM_006206.6(PDGFRA):c.2458G>T (p.Ala820Ser)

Gene: PDGFRA (platelet derived growth factor receptor alpha; plus strand). Cytogenetic location: 4q12.
Variant type: single nucleotide variant.
Coding change: c.2458G>T on transcript NM_006206.6 (MANE Select); coding-DNA position 2458, G replaced by T.
Protein change: p.Ala820Ser; replaces alanine 820 with serine.
Molecular consequence: missense variant.
Genome position (GRCh38, 1-based): chr4:54,285,859, G>T. VCF-style: chr4-54285859-G-T. GRCh37 (hg19) VCF-style: chr4-55152026-G-T.
Other names: c.2533G>T, p.Ala845Ser (NM_001347828.2); c.2458G>T, p.Ala820Ser (NM_001347829.2); c.2497G>T, p.Ala833Ser (NM_001347830.2); short protein forms A820S, A833S, A845S.
Identifiers: ClinVar variation 4861726 (VCV004861726.1).

ClinVar aggregate classification (germline): Uncertain significance (1 of 4 stars; one submission).

Conditions:
Hereditary cancer-predisposing syndrome. Also called: Neoplastic Syndromes, Hereditary; Tumor predisposition; Hereditary Cancer Syndrome; Hereditary neoplastic syndrome. Identifiers: Orphanet 140162, MedGen C0027672, MeSH D009386, MONDO:0015356.

Submission:

Ambry Genetics
Classification: Uncertain significance for Hereditary cancer-predisposing syndrome. Last evaluated: 2026-03-28. Review status: criteria provided, single submitter. Criteria: Ambry Variant Classification Scheme 2023. Collection method: clinical testing. Allele origin: germline.
Comment: The p.A820S variant (also known as c.2458G>T), located in coding exon 17 of the PDGFRA gene, results from a G to T substitution at nucleotide position 2458. The alanine at codon 820 is replaced by serine, an amino acid with similar properties. This amino acid position is conserved. In addition, this alteration is predicted to be deleterious by in silico analysis. Based on the available evidence, the clinical significance of this variant remains unclear.